The following is an entry in ClinVar:

ClinVar aggregate classification (germline): Uncertain significance (1 of 4 stars; one submission).

Submission:

Labcorp Genetics (formerly Invitae), Labcorp
Classification: Uncertain significance. Last evaluated: 2025-09-10. Review status: criteria provided, single submitter. Criteria: Invitae Variant Classification Sherloc (09022015). Collection method: clinical testing. Allele origin: germline.
Comment: This sequence change replaces isoleucine, which is neutral and non-polar, with threonine, which is neutral and polar, at codon 2365 of the NSD1 protein (p.Ile2365Thr). This variant is not present in population databases (gnomAD no frequency). This variant has not been reported in the literature in individuals affected with NSD1-related conditions. Invitae Evidence Modeling of protein sequence and biophysical properties (such as structural, functional, and spatial information, amino acid conservation, physicochemical variation, residue mobility, and thermodynamic stability) indicates that this missense variant is not expected to disrupt NSD1 protein function with a negative predictive value of 95%. In summary, the available evidence is currently insufficient to determine the role of this variant in disease. Therefore, it has been classified as a Variant of Uncertain Significance.

NM_022455.5(NSD1):c.7094T>C (p.Ile2365Thr)

Gene: NSD1 (nuclear receptor binding SET domain protein 1; plus strand). Cytogenetic location: 5q35.3.
Variant type: single nucleotide variant.
Coding change: c.7094T>C on transcript NM_022455.5 (MANE Select); coding-DNA position 7094, T replaced by C.
Protein change: p.Ile2365Thr; replaces isoleucine 2365 with threonine.
Molecular consequence: missense variant.
Genome position (GRCh38, 1-based): chr5:177,294,462, T>C. VCF-style: chr5-177294462-T-C. GRCh37 (hg19) VCF-style: chr5-176721463-T-C.
Other names: c.6221T>C, p.Ile2074Thr (NM_001365684.2, NM_001409308.1, NM_172349.5); c.7094T>C, p.Ile2365Thr (NM_001409301.1, NM_001409302.1, NM_001409303.1); c.6674T>C, p.Ile2225Thr (NM_001409304.1); c.6341T>C, p.Ile2114Thr (NM_001409305.1); c.6332T>C, p.Ile2111Thr (NM_001409306.1, NM_001409307.1); c.5972T>C, p.Ile1991Thr (NM_001409309.1); short protein forms I2111T, I2114T, I2074T, I2365T, I1991T, I2225T.
Identifiers: ClinVar variation 4746255 (VCV004746255.1).